The following is an entry in ClinVar:

ClinVar aggregate classification (germline): Uncertain significance. Review status: criteria provided, multiple submitters, no conflicts (2 of 4 stars). 4 submissions from 4 submitters: Uncertain significance (3). 1 of the submissions does not count toward it. Last evaluated 2026-03-19.

Conditions:
CFTR-related disorder (CFTR-RD). Also called: CFTR-related disorders; CFTR-related condition. Identifiers: MedGen C5924204, MONDO:7770004.
Cystic fibrosis (CF). Also called: MUCOVISCIDOSIS. Identifiers: Orphanet 586, MedGen C0010674, MONDO:0009061, OMIM 219700. Disease mechanism: loss of function.

Allele frequency attached by ClinVar (database versions not stated): gnomAD exomes below 0.00001; ExAC 0.00001.
gnomAD v4.1: 1 of 1,614,024 alleles (0.000062%); highest among the groups gnomAD compares: South Asian, 0.0011%; no homozygotes.

Submissions (4):

GeneDx
Classification: Uncertain significance. Last evaluated: 2026-03-19. Review status: criteria provided, single submitter. Criteria: GeneDx Variant Classification Process June 2021. Collection method: clinical testing. Allele origin: germline.
Comment: Not observed at significant frequency in large population cohorts (gnomAD); In silico analysis supports that this missense variant has a deleterious effect on protein structure/function; Has not been previously published as pathogenic or benign to our knowledge

Labcorp Genetics (formerly Invitae), Labcorp
Classification: Uncertain significance for Cystic fibrosis. Last evaluated: 2021-09-01. Review status: criteria provided, single submitter. Criteria: Invitae Variant Classification Sherloc (09022015). Collection method: clinical testing. Allele origin: germline.
Comment: This sequence change replaces leucine with valine at codon 1361 of the CFTR protein (p.Leu1361Val). The leucine residue is highly conserved and there is a small physicochemical difference between leucine and valine. This variant is present in population databases (rs772157232, ExAC 0.006%). This variant has not been reported in the literature in individuals affected with CFTR-related conditions. Algorithms developed to predict the effect of missense changes on protein structure and function are either unavailable or do not agree on the potential impact of this missense change (SIFT: "Deleterious"; PolyPhen-2: "Possibly Damaging"; Align-GVGD: "Class C15"). In summary, the available evidence is currently insufficient to determine the role of this variant in disease. Therefore, it has been classified as a Variant of Uncertain Significance.

Ambry Genetics
Classification: Uncertain significance for Cystic fibrosis. Last evaluated: 2021-07-14. Review status: criteria provided, single submitter. Criteria: Ambry Variant Classification Scheme 2023. Collection method: clinical testing. Allele origin: germline.
Comment: The p.L1361V variant (also known as c.4081C>G), located in coding exon 25 of the CFTR gene, results from a C to G substitution at nucleotide position 4081. The leucine at codon 1361 is replaced by valine, an amino acid with highly similar properties. This amino acid position is conserved. In addition, this alteration is predicted to be deleterious by in silico analysis. Since supporting evidence is limited at this time, the clinical significance of this alteration remains unclear.

Natera, Inc.
Classification: Uncertain significance for CFTR-related disorders. Last evaluated: 2021-01-26. Review status: no assertion criteria provided. Collection method: clinical testing. Allele origin: germline. Not counted in ClinVar's aggregate classification.

NM_000492.4(CFTR):c.4081C>G (p.Leu1361Val)

Gene: CFTR (CF transmembrane conductance regulator; plus strand). Cytogenetic location: 7q31.2.
Variant type: single nucleotide variant.
Coding change: c.4081C>G on transcript NM_000492.4 (MANE Select); coding-DNA position 4081, C replaced by G.
Protein change: p.Leu1361Val; replaces leucine 1361 with valine.
Molecular consequence: missense variant.
Genome position (GRCh38, 1-based): chr7:117,664,805, C>G. VCF-style: chr7-117664805-C-G. GRCh37 (hg19) VCF-style: chr7-117304859-C-G.
Other names: short protein forms L1361V.
Identifiers: ClinVar variation 849282 (VCV000849282.10), dbSNP rs772157232, ClinGen allele CA4451624.